The following is an entry in ClinVar:

ClinVar aggregate classification (germline): Uncertain significance (1 of 4 stars; one submission).

Allele frequency attached by ClinVar (database versions not stated): ESP Exome Variant Server 0.00008; TOPMed 0.00008; gnomAD 0.00011 and 0.00017; gnomAD exomes 0.00014 and 0.00024; ExAC 0.00029.
gnomAD v4.1: 233 of 1,610,152 alleles (0.014%); highest among the groups gnomAD compares: South Asian, 0.14%; 1 homozygote.

Submission:

GeneDx
Classification: Uncertain significance. Last evaluated: 2020-05-07. Review status: criteria provided, single submitter. Criteria: GeneDx Variant Classification Process June 2021. Collection method: clinical testing. Allele origin: germline. Affected: yes.
Comment: In silico analysis, which includes protein predictors and evolutionary conservation, supports that this variant does not alter protein structure/function; Has not been previously published as pathogenic or benign to our knowledge

NM_015114.3(ANKLE2):c.1165G>A (p.Glu389Lys)

Gene: ANKLE2 (ankyrin repeat and LEM domain containing 2; minus strand). Cytogenetic location: 12q24.33.
Variant type: single nucleotide variant.
Coding change: c.1165G>A on transcript NM_015114.3 (MANE Select); coding-DNA position 1165, G replaced by A.
Protein change: p.Glu389Lys; replaces glutamic acid 389 with lysine.
Molecular consequence: missense variant.
Genome position (GRCh38, 1-based): chr12:132,747,897, C>T on the plus strand (G>A on the coding strand, the complement: ANKLE2 is on the minus strand). VCF-style: chr12-132747897-C-T. GRCh37 (hg19) VCF-style: chr12-133324483-C-T.
Other names: short protein forms E389K.
Identifiers: ClinVar variation 1188510 (VCV001188510.2), dbSNP rs369339437, ClinGen allele CA6895741.
Genomic context (GRCh38, chr12:132,747,897, plus strand): 5'-TGTCGGGGGTGTTGAGGTACAGGTCCACCACGTAACGGATACGCTTCTGCAGCATGGCCT[C>T]GTCGTCATCAGGGTACATCAGCCTCATGAAGTCAGGGTTCTCCAGGACGTCCAGAGTCAG-3'
Protein context (NP_055929.1, residues 379-399): FMRLMYPDDD[Glu389Lys]AMLQKRIRYV